The following is an entry in ClinVar:

ClinVar aggregate classification (germline): Uncertain significance (1 of 4 stars; one submission).

Submission:

Women's Health and Genetics/Laboratory Corporation of America, LabCorp
Classification: Uncertain significance. Last evaluated: 2025-05-06. Review status: criteria provided, single submitter. Criteria: LabCorp Variant Classification Summary - May 2015. Collection method: clinical testing. Allele origin: germline.
Comment: Variant summary: PRX c.3929G>T (p.Arg1310Leu) results in a non-conservative amino acid change in the encoded protein sequence. Algorithms developed to predict the effect of missense changes on protein structure and function are either unavailable or do not agree on the potential impact of this missense change. The variant was absent in 221000 control chromosomes. The available data on variant occurrences in the general population are insufficient to allow any conclusion about variant significance. To our knowledge, no occurrence of c.3929G>T in individuals affected with Charcot-Marie-Tooth disease type 4F and no experimental evidence demonstrating its impact on protein function have been reported. No submitters have cited clinical-significance assessments for this variant to ClinVar. Based on the evidence outlined above, the variant was classified as uncertain significance.

NM_181882.3(PRX):c.3929G>T (p.Arg1310Leu)

Gene: PRX (periaxin; minus strand). Cytogenetic location: 19q13.2.
Variant type: single nucleotide variant.
Coding change: c.3929G>T on transcript NM_181882.3 (MANE Select); coding-DNA position 3929, G replaced by T.
Protein change: p.Arg1310Leu; replaces arginine 1310 with leucine.
Molecular consequence: missense variant. On other transcripts: 3 prime UTR variant (1).
Genome position (GRCh38, 1-based): chr19:40,394,423, C>A on the plus strand (G>T on the coding strand, the complement: PRX is on the minus strand). VCF-style: chr19-40394423-C-A. GRCh37 (hg19) VCF-style: chr19-40900330-C-A.
Other names: c.4214G>T, p.Arg1405Leu (NM_001411127.1); c.*4134G>T (NM_020956.2); short protein forms R1310L, R1405L.
Identifiers: ClinVar variation 3902484 (VCV003902484.1).